The following is an entry in ClinVar:

NM_006904.7(PRKDC):c.694T>A (p.Cys232Ser)

Gene: PRKDC (protein kinase, DNA-activated, catalytic subunit; minus strand). Cytogenetic location: 8q11.21.
Variant type: single nucleotide variant.
Coding change: c.694T>A on transcript NM_006904.7 (MANE Select); coding-DNA position 694, T replaced by A.
Protein change: p.Cys232Ser; replaces cysteine 232 with serine.
Molecular consequence: missense variant.
Genome position (GRCh38, 1-based): chr8:47,953,647, A>T on the plus strand (T>A on the coding strand, the complement: PRKDC is on the minus strand). VCF-style: chr8-47953647-A-T. GRCh37 (hg19) VCF-style: chr8-48866207-A-T.
Other names: c.694T>A, p.Cys232Ser (NM_001081640.2); short protein forms C232S.
Identifiers: ClinVar variation 1756291 (VCV001756291.2), dbSNP rs2551881736, ClinGen allele CA371138273.

ClinVar aggregate classification (germline): Uncertain significance (1 of 4 stars; one submission).

Submission:

Ambry Genetics
Classification: Uncertain significance. Last evaluated: 2021-12-25. Review status: criteria provided, single submitter. Criteria: Ambry Variant Classification Scheme 2023. Collection method: clinical testing. Allele origin: germline.
Comment: The p.C232S variant (also known as c.694T>A), located in coding exon 7 of the PRKDC gene, results from a T to A substitution at nucleotide position 694. The cysteine at codon 232 is replaced by serine, an amino acid with dissimilar properties. This amino acid position is conserved. In addition, this alteration is predicted to be tolerated by in silico analysis. Since supporting evidence is limited at this time, the clinical significance of this alteration remains unclear.